The following is an entry in ClinVar:

NC_012920.1(MT-ATP6):m.9095T>C

Gene: MT-ATP6 (mitochondrially encoded ATP synthase 6; plus strand).
Variant type: single nucleotide variant.
Genome position: chrM-9095-T-C.
Identifiers: ClinVar variation 693086 (VCV000693086.1), dbSNP rs1603222056, ClinGen allele CA414802202.

ClinVar aggregate classification (germline): Likely benign (1 of 4 stars; one submission).

Conditions:
Leigh syndrome (NULS). Also called: Leigh's necrotizing encephalopathy; Leigh's disease; Leigh Syndrome (mtDNA deletion); Leigh Disease; Subacute necrotizing encephalopathy; Necrotizing encephalopathy infantile subacute of Leigh. Identifiers: Orphanet 506, MedGen C2931891, MONDO:0009723, OMIM 256000.

Submission:

Wong Mito Lab, Molecular and Human Genetics, Baylor College of Medicine
Classification: Likely benign for Leigh syndrome. Last evaluated: 2019-10-17. Review status: criteria provided, single submitter. Criteria: Modified ACMG Guidelines (Unpublished). Collection method: clinical testing. Allele origin: germline.
Comment: The NC_012920.1:m.9095T>C (YP_003024031.1:p.Leu190Pro) variant in MTATP6 gene is interpretated to be a Likely Benign variant based on the modified ACMG guidelines (unpublished). This variant meets the following evidence codes: BS1, BP4, BP6